The following is an entry in ClinVar:

NM_000326.5(RLBP1):c.250G>A (p.Val84Met)

Gene: RLBP1 (retinaldehyde binding protein 1; minus strand). Cytogenetic location: 15q26.1.
Variant type: single nucleotide variant.
Coding change: c.250G>A on transcript NM_000326.5 (MANE Select); coding-DNA position 250, G replaced by A.
Protein change: p.Val84Met; replaces valine 84 with methionine.
Molecular consequence: missense variant.
Genome position (GRCh38, 1-based): chr15:89,217,216, C>T on the plus strand (G>A on the coding strand, the complement: RLBP1 is on the minus strand). VCF-style: chr15-89217216-C-T. GRCh37 (hg19) VCF-style: chr15-89760447-C-T.
Other names: short protein forms V84M.
Identifiers: ClinVar variation 1916722 (VCV001916722.2), dbSNP rs761816415, ClinGen allele CA7722347.

ClinVar aggregate classification (germline): Uncertain significance (1 of 4 stars; one submission).

Allele frequency attached by ClinVar (database versions not stated): ExAC 0.00002; TOPMed 0.00002.

Submission:

Labcorp Genetics (formerly Invitae), Labcorp
Classification: Uncertain significance. Last evaluated: 2022-07-04. Review status: criteria provided, single submitter. Criteria: Invitae Variant Classification Sherloc (09022015). Collection method: clinical testing. Allele origin: germline.
Comment: This sequence change replaces valine, which is neutral and non-polar, with methionine, which is neutral and non-polar, at codon 84 of the RLBP1 protein (p.Val84Met). This variant is present in population databases (rs761816415, gnomAD 0.007%). This variant has not been reported in the literature in individuals affected with RLBP1-related conditions. Algorithms developed to predict the effect of missense changes on protein structure and function are either unavailable or do not agree on the potential impact of this missense change (SIFT: "Tolerated"; PolyPhen-2: "Probably Damaging"; Align-GVGD: "Class C0"). In summary, the available evidence is currently insufficient to determine the role of this variant in disease. Therefore, it has been classified as a Variant of Uncertain Significance.